The following is an entry in ClinVar:

NM_001267550.2(TTN):c.50363T>C (p.Ile16788Thr)

Genes: TTN (titin; minus strand), TTN-AS1 (TTN antisense RNA 1; plus strand). Cytogenetic location: 2q31.2.
Variant type: single nucleotide variant.
Coding change: c.50363T>C on transcript NM_001267550.2 (MANE Select); coding-DNA position 50363, T replaced by C.
Protein change: p.Ile16788Thr; replaces isoleucine 16788 with threonine.
Molecular consequence: missense variant.
Genome position (GRCh38, 1-based): chr2:178,611,946, A>G on the plus strand (T>C on the coding strand, the complement: TTN is on the minus strand). VCF-style: chr2-178611946-A-G. GRCh37 (hg19) VCF-style: chr2-179476673-A-G.
Other names: p.I15147T:ATT>ACT; c.45440T>C, p.Ile15147Thr (NM_001256850.1); c.42659T>C, p.Ile14220Thr (NM_133378.4); c.23168T>C, p.Ile7723Thr (NM_003319.4); c.23543T>C, p.Ile7848Thr (NM_133432.3); c.23744T>C, p.Ile7915Thr (NM_133437.4); short protein forms I16788T, I14220T, I15147T, I7915T, I7723T, I7848T.
Identifiers: ClinVar variation 47042 (VCV000047042.61), dbSNP rs397517599, ClinGen allele CA139836.

ClinVar aggregate classification (germline): Conflicting classifications of pathogenicity. Review status: criteria provided, conflicting classifications (1 of 4 stars). 16 submissions from 12 submitters: Uncertain significance (4); Benign (5); Likely benign (4). 3 of the submissions do not count toward it. Last evaluated 2025-12-30.

Conditions:
TTN-related disorder. Also called: TTN-related condition; TTN-related disease; TTN-related disorders.
Cardiovascular phenotype. Identifiers: MedGen CN230736.
Dilated cardiomyopathy 1G (CMD1G). Identifiers: Orphanet 154, MedGen C1858763, MONDO:0011400, OMIM 604145.
Autosomal recessive limb-girdle muscular dystrophy type 2J (LGMDR10). Also called: Limb-girdle muscular dystrophy, type 2J; MUSCULAR DYSTROPHY, LIMB-GIRDLE, AUTOSOMAL RECESSIVE 10. Identifiers: Orphanet 140922, MedGen C1837342, MONDO:0012127, OMIM 608807.
Cardiomyopathy (CMYO). Also called: Cardiomyopathies. Identifiers: Orphanet 167848, MedGen C0878544, MONDO:0004994, HP:0001638. Inheritance: Various modes of inheritance.
Myopathy, myofibrillar, 9, with early respiratory failure (MFM9). Also called: Hereditary myopathy with early respiratory failure; Myopathy, distal, with early respiratory failure, autosomal dominant; EDSTROM MYOPATHY; MYOPATHY, PROXIMAL, WITH EARLY RESPIRATORY MUSCLE INVOLVEMENT. Identifiers: Orphanet 178464, Orphanet 34521, MedGen C1863599, MONDO:0011362, OMIM 603689.
Early-onset myopathy with fatal cardiomyopathy (CMYO5). Also called: Salih Myopathy; CONGENITAL MYOPATHY 5 WITH CARDIOMYOPATHY. Identifiers: Orphanet 289377, MedGen C2673677, MONDO:0012714, OMIM 611705. Disease mechanism: loss of function.
Tibial muscular dystrophy (TMD). Also called: Udd Distal Myopathy – Tibial Muscular Dystrophy; Tibial muscular dystrophy, tardive; UDD MYOPATHY. Identifiers: Orphanet 609, MedGen C1838244, MONDO:0010870, OMIM 600334.

Allele frequency attached by ClinVar (database versions not stated): gnomAD 0.00001 and 0.00017; TOPMed 0.00002; gnomAD exomes 0.00038 and 0.00089; 1000 Genomes Project 0.00040; 1000 Genomes Project 30x 0.00078; ExAC 0.00092.
gnomAD v4.1: 586 of 1,611,272 alleles (0.036%); highest among the groups gnomAD compares: South Asian, 0.6%; 9 homozygotes.

Submissions (16):

Labcorp Genetics (formerly Invitae), Labcorp
Classification: Benign for Dilated cardiomyopathy 1G; Autosomal recessive limb-girdle muscular dystrophy type 2J. Last evaluated: 2025-12-30. Review status: criteria provided, single submitter. Criteria: Invitae Variant Classification Sherloc (09022015). Collection method: clinical testing. Allele origin: germline.

Molecular Diagnostic Laboratory for Inherited Cardiovascular Disease, Montreal Heart Institute
Classification: Likely benign. Last evaluated: 2025-04-09. Review status: criteria provided, single submitter. Criteria: ACMG Guidelines, 2015. Collection method: clinical testing. Allele origin: germline. Affected: no.

CeGaT Center for Human Genetics Tuebingen
Classification: Likely benign. Last evaluated: 2024-05-01. Review status: criteria provided, single submitter. Criteria: CeGaT Center For Human Genetics Tuebingen Variant Classification Criteria Version 2. Collection method: clinical testing. Allele origin: germline. Affected: yes. Observed: 6 variant alleles.
Comment: TTN: BS2

GeneDx
Classification: Benign. Last evaluated: 2021-04-12. Review status: criteria provided, single submitter. Criteria: GeneDx Variant Classification Process June 2021. Collection method: clinical testing. Allele origin: germline. Affected: yes.
Comment: This variant is associated with the following publications: (PMID: 29263846, 24503780)

Ambry Genetics
Classification: Likely benign for Cardiovascular phenotype. Last evaluated: 2020-01-07. Review status: criteria provided, single submitter. Criteria: Ambry Variant Classification Scheme 2023. Collection method: clinical testing. Allele origin: germline.

CHEO Genetics Diagnostic Laboratory, Children's Hospital of Eastern Ontario
Classification: Benign for Cardiomyopathy. Last evaluated: 2018-07-31. Review status: criteria provided, single submitter. Criteria: ACMG Guidelines, 2015. Collection method: clinical testing. Allele origin: germline.

Illumina Laboratory Services, Illumina
Classification: Uncertain significance for Dilated cardiomyopathy 1G. Last evaluated: 2018-01-12. Review status: criteria provided, single submitter. Criteria: ICSL Variant Classification Criteria 13 December 2019. Collection method: clinical testing. Allele origin: germline.

Illumina Laboratory Services, Illumina
Classification: Benign for Tibial muscular dystrophy. Last evaluated: 2018-01-12. Review status: criteria provided, single submitter. Criteria: ICSL Variant Classification Criteria 13 December 2019. Collection method: clinical testing. Allele origin: germline.
Comment: This variant was observed in the ICSL laboratory as part of a predisposition screen in an ostensibly healthy population. It had not been previously curated by ICSL or reported in the Human Gene Mutation Database (HGMD: prior to June 1st, 2018), and was therefore a candidate for classification through an automated scoring system. Utilizing variant allele frequency, disease prevalence and penetrance estimates, and inheritance mode, an automated score was calculated to assess if this variant is too frequent to cause the disease. Based on the score and internal cut-off values, a variant classified as benign is not then subjected to further curation. The score for this variant resulted in a classification of benign for this disease.

Illumina Laboratory Services, Illumina
Classification: Uncertain significance for Early-onset myopathy with fatal cardiomyopathy. Last evaluated: 2018-01-12. Review status: criteria provided, single submitter. Criteria: ICSL Variant Classification Criteria 13 December 2019. Collection method: clinical testing. Allele origin: germline.

Illumina Laboratory Services, Illumina
Classification: Uncertain significance for Autosomal recessive limb-girdle muscular dystrophy type 2J. Last evaluated: 2018-01-12. Review status: criteria provided, single submitter. Criteria: ICSL Variant Classification Criteria 13 December 2019. Collection method: clinical testing. Allele origin: germline.

Illumina Laboratory Services, Illumina
Classification: Benign for Myopathy, myofibrillar, 9, with early respiratory failure. Last evaluated: 2018-01-12. Review status: criteria provided, single submitter. Criteria: ICSL Variant Classification Criteria 13 December 2019. Collection method: clinical testing. Allele origin: germline.
Comment: the same text as in the submission from Illumina Laboratory Services, Illumina above.

Eurofins Ntd Llc (ga)
Classification: Likely benign. Last evaluated: 2016-09-13. Review status: criteria provided, single submitter. Criteria: EGL Classification Definitions 2015. Collection method: clinical testing. Allele origin: germline. Observed: 1 variant allele, 1 heterozygote.

Laboratory for Molecular Medicine, Mass General Brigham Personalized Medicine
Classification: Uncertain significance. Last evaluated: 2013-08-11. Review status: criteria provided, single submitter. Criteria: LMM Criteria. Collection method: clinical testing. Allele origin: germline. Observed: 2 variant alleles.
Comment: This variant has not been identi fied in large population studies. Computational analyses (biochemical amino acid properties, conservation, AlignGVGD, PolyPhen2, and SIFT) do not provide strong support for or against an impact to the protein. Additional information is need ed to fully assess the clinical significance of this variant.

PreventionGenetics, part of Exact Sciences
Classification: Likely benign for TTN-related condition. Last evaluated: 2020-09-09. Review status: no assertion criteria provided. Collection method: clinical testing. Allele origin: germline. Not counted in ClinVar's aggregate classification.
Comment: This variant is classified as likely benign based on ACMG/AMP sequence variant interpretation guidelines (Richards et al. 2015 PMID: 25741868, with internal and published modifications).

Clinical Genetics DNA and cytogenetics Diagnostics Lab, Erasmus MC, Erasmus Medical Center
Classification: Likely benign. Review status: no assertion criteria provided. Collection method: clinical testing. Allele origin: germline. Affected: yes. Study: VKGL Data-share Consensus. Not counted in ClinVar's aggregate classification.

Clinical Genetics, Academic Medical Center
Classification: Benign. Review status: no assertion criteria provided. Collection method: clinical testing. Allele origin: germline. Affected: yes. Study: VKGL Data-share Consensus. Not counted in ClinVar's aggregate classification.